The following is an entry in ClinVar:

ClinVar aggregate classification (germline): Pathogenic/Likely pathogenic. Review status: criteria provided, multiple submitters, no conflicts (2 of 4 stars). 6 submissions from 6 submitters: Pathogenic (2); Likely pathogenic (3). 1 of the submissions does not count toward it. Last evaluated 2024-03-13.

Conditions:
PTS-related disorder. Also called: PTS-related condition.
6-Pyruvoyl-tetrahydrobiopterin synthase deficiency. Also called: 6-Pyruvoyltetrahydropterin Synthase Deficiency; PTS DEFICIENCY; Hyperphenylalanemia, BH4-deficient, A; Hyperphenylalaninemia due to 6-pyruvoyl-tetrahydropterin synthase deficiency; PTS-Related Tetrahydrobiopterin Deficiency; BH4-deficient hyperphenylalaninemia A. Identifiers: Orphanet 13, Orphanet 238583, MedGen C0878676, MONDO:0009863, OMIM 261640.

Allele frequency attached by ClinVar (database versions not stated): gnomAD exomes below 0.00001.
gnomAD v4.1: 5 of 1,581,416 alleles (0.00032%); highest among the groups gnomAD compares: Non-Finnish European, 0.00043%; no homozygotes.

Submissions (6):

Baylor Genetics
Classification: Likely pathogenic for 6-Pyruvoyl-tetrahydrobiopterin synthase deficiency. Last evaluated: 2024-03-13. Review status: criteria provided, single submitter. Criteria: ACMG Guidelines, 2015. Collection method: clinical testing. Allele origin: unknown.

Fulgent Genetics
Classification: Likely pathogenic for 6-Pyruvoyl-tetrahydrobiopterin synthase deficiency. Last evaluated: 2024-03-08. Review status: criteria provided, single submitter. Criteria: ACMG Guidelines, 2015. Collection method: clinical testing. Allele origin: germline.

Women's Health and Genetics/Laboratory Corporation of America, LabCorp
Classification: Likely pathogenic for 6-Pyruvoyl-tetrahydrobiopterin synthase deficiency. Last evaluated: 2024-03-07. Review status: criteria provided, single submitter. Criteria: LabCorp Variant Classification Summary - May 2015. Collection method: clinical testing. Allele origin: germline.
Comment: Variant summary: PTS c.108C>G (p.Asn36Lys) results in a non-conservative amino acid change in the encoded protein sequence. Five of five in-silico tools predict a damaging effect of the variant on protein function. The variant allele was found at a frequency of 4.1e-06 in 245658 control chromosomes. c.108C>G has been reported in the literature in individuals affected with 6-Pyruvoyl-Tetrahydropterin Synthase Deficiency (examples: Zekanowski_1998, Kuseyri_2018, Gundorova_2021). These data indicate that the variant is likely to be associated with disease. To our knowledge, no experimental evidence demonstrating an impact on protein function has been reported. The following publications have been ascertained in the context of this evaluation (PMID: 33822819, 29594647, 10089284). ClinVar contains an entry for this variant (Variation ID: 555429). Based on the evidence outlined above, the variant was classified as likely pathogenic.

Labcorp Genetics (formerly Invitae), Labcorp
Classification: Pathogenic for 6-Pyruvoyl-tetrahydrobiopterin synthase deficiency. Last evaluated: 2023-10-14. Review status: criteria provided, single submitter. Criteria: Invitae Variant Classification Sherloc (09022015). Collection method: clinical testing. Allele origin: germline.
Comment: This sequence change replaces asparagine, which is neutral and polar, with lysine, which is basic and polar, at codon 36 of the PTS protein (p.Asn36Lys). This variant is present in population databases (no rsID available, gnomAD 0.0009%). This missense change has been observed in individual(s) with biopterin-deficient hyperphenylalanemia (PMID: 10089284, 33822819). In at least one individual the data is consistent with being in trans (on the opposite chromosome) from a pathogenic variant. It has also been observed to segregate with disease in related individuals. ClinVar contains an entry for this variant (Variation ID: 555429). An algorithm developed to predict the effect of missense changes on protein structure and function (PolyPhen-2) suggests that this variant is likely to be disruptive. For these reasons, this variant has been classified as Pathogenic.

Blueprint Genetics
Classification: Pathogenic for PTS-related disorders. Last evaluated: 2023-08-31. Review status: criteria provided, single submitter. Criteria: ACMG Guidelines, 2015. Collection method: clinical testing. Allele origin: germline. Affected: yes. Observed: 4 variant alleles.

Counsyl
Classification: Uncertain significance for 6-Pyruvoyl-tetrahydrobiopterin synthase deficiency. Last evaluated: 2017-12-05. Review status: no assertion criteria provided. Collection method: clinical testing. Allele origin: unknown. Not counted in ClinVar's aggregate classification.

Literature cited by the submitters: PubMed 33822819 (cited by Women's Health and Genetics/Laboratory Corporation of America, LabCorp and Labcorp Genetics (formerly Invitae), Labcorp); PubMed 10089284 (cited by 3 submitters); PubMed 29594647 (cited by Women's Health and Genetics/Laboratory Corporation of America, LabCorp).

NM_000317.3(PTS):c.108C>G (p.Asn36Lys)

Gene: PTS (6-pyruvoyltetrahydropterin synthase; plus strand). Cytogenetic location: 11q23.1.
Variant type: single nucleotide variant.
Coding change: c.108C>G on transcript NM_000317.3 (MANE Select); coding-DNA position 108, C replaced by G.
Protein change: p.Asn36Lys; replaces asparagine 36 with lysine.
Molecular consequence: missense variant.
Genome position (GRCh38, 1-based): chr11:112,228,618, C>G. VCF-style: chr11-112228618-C-G. GRCh37 (hg19) VCF-style: chr11-112099341-C-G.
Other names: short protein forms N36K.
Identifiers: ClinVar variation 555429 (VCV000555429.16), dbSNP rs1449216377, ClinGen allele CA382627002.